The following is an entry in ClinVar:

NM_024580.6(EFL1):c.2249C>T (p.Thr750Met)

Gene: EFL1 (elongation factor like GTPase 1; minus strand). Cytogenetic location: 15q25.2.
Variant type: single nucleotide variant.
Coding change: c.2249C>T on transcript NM_024580.6 (MANE Select); coding-DNA position 2249, C replaced by T.
Protein change: p.Thr750Met; replaces threonine 750 with methionine.
Molecular consequence: missense variant. On other transcripts: non-coding transcript variant (1).
Genome position (GRCh38, 1-based): chr15:82,152,205, G>A on the plus strand (C>T on the coding strand, the complement: EFL1 is on the minus strand). VCF-style: chr15-82152205-G-A. GRCh37 (hg19) VCF-style: chr15-82444546-G-A.
Other names: c.2096C>T, p.Thr699Met (NM_001040610.3); c.1460C>T, p.Thr487Met (NM_001322844.2); c.2249C>T, p.Thr750Met (NM_001322845.2); short protein forms T750M, T487M, T699M.
Identifiers: ClinVar variation 1514908 (VCV001514908.5), dbSNP rs200932900, ClinGen allele CA7697781.

ClinVar aggregate classification (germline): Uncertain significance (1 of 4 stars; one submission).

gnomAD v4.1: 51 of 1,614,054 alleles (0.0032%); highest among the groups gnomAD compares: Admixed American, 0.0067%; no homozygotes.

Submission:

Labcorp Genetics (formerly Invitae), Labcorp
Classification: Uncertain significance. Last evaluated: 2022-06-22. Review status: criteria provided, single submitter. Criteria: Invitae Variant Classification Sherloc (09022015). Collection method: clinical testing. Allele origin: germline.
Comment: This sequence change replaces threonine, which is neutral and polar, with methionine, which is neutral and non-polar, at codon 750 of the EFL1 protein (p.Thr750Met). This variant is present in population databases (rs200932900, gnomAD 0.0009%). This variant has not been reported in the literature in individuals affected with EFL1-related conditions. Algorithms developed to predict the effect of missense changes on protein structure and function output the following: SIFT: "Deleterious"; PolyPhen-2: "Benign"; Align-GVGD: "Class C0". The methionine amino acid residue is found in multiple mammalian species, which suggests that this missense change does not adversely affect protein function. In summary, the available evidence is currently insufficient to determine the role of this variant in disease. Therefore, it has been classified as a Variant of Uncertain Significance.